The following is an entry in ClinVar:

ClinVar aggregate classification (germline): Uncertain significance (1 of 4 stars; one submission).

Submission:

GeneDx
Classification: Uncertain significance. Last evaluated: 2024-12-09. Review status: criteria provided, single submitter. Criteria: GeneDx Variant Classification Process June 2021. Collection method: clinical testing. Allele origin: germline. Affected: yes.
Comment: Not observed at significant frequency in large population cohorts (gnomAD); In silico analysis supports that this missense variant has a deleterious effect on protein structure/function; Has not been previously published as pathogenic or benign to our knowledge; Not located in the triple helical region, where the majority of pathogenic missense variants occur (PMID: 22696272; HGMD); This variant is associated with the following publications: (PMID: 22696272)

NM_000093.5(COL5A1):c.5431C>T (p.Pro1811Ser)

Genes: COL5A1 (collagen type V alpha 1 chain; plus strand), LOC101448202 (uncharacterized LOC101448202; minus strand). Cytogenetic location: 9q34.3.
Variant type: single nucleotide variant.
Coding change: c.5431C>T on transcript NM_000093.5 (MANE Select); coding-DNA position 5431, C replaced by T.
Protein change: p.Pro1811Ser; replaces proline 1811 with serine.
Molecular consequence: missense variant.
Genome position (GRCh38, 1-based): chr9:134,842,217, C>T. VCF-style: chr9-134842217-C-T. GRCh37 (hg19) VCF-style: chr9-137734063-C-T.
Other names: c.5431C>T, p.Pro1811Ser (NM_001278074.1); short protein forms P1811S.
Identifiers: ClinVar variation 3901462 (VCV003901462.1).